The following is an entry in ClinVar:

NM_000157.4(GBA1):c.1240G>A (p.Val414Met)

Genes: GBA1 (glucosylceramidase beta 1; minus strand), LOC106627981 (GBA recombination region; plus strand). Cytogenetic location: 1q22.
Variant type: single nucleotide variant.
Coding change: c.1240G>A on transcript NM_000157.4 (MANE Select); coding-DNA position 1240, G replaced by A.
Protein change: p.Val414Met; replaces valine 414 with methionine.
Molecular consequence: missense variant.
Genome position (GRCh38, 1-based): chr1:155,235,829, C>T on the plus strand (G>A on the coding strand, the complement: GBA1 is on the minus strand). VCF-style: chr1-155235829-C-T. GRCh37 (hg19) VCF-style: chr1-155205620-C-T.
Other names: p.Val414Met; c.1240G>A, p.Val414Met (NM_001005741.3, NM_001005742.3); c.979G>A, p.Val327Met (NM_001171811.2); c.1093G>A, p.Val365Met (NM_001171812.2); short protein forms V327M, V365M, V414M.
Identifiers: ClinVar variation 4849891 (VCV004849891.1).
Genomic context (GRCh38, chr1:155,235,829, plus strand): 5'-GCACCCAATTGGGTCCTCCTTCGGGGTTCAGGGCAAGGTTCCAGTCGGTCCAGCCGACCA[C>T]ATGGTACAGGAGGTTCTAGGGTAAGGACAAAGGCAAAGAGACAAAGGCGCAACACTGGGG-3'
Protein context (NP_000148.2, residues 404-424): HSIITNLLYH[Val414Met]VGWTDWNLAL

ClinVar aggregate classification (germline): Likely pathogenic (1 of 4 stars; one submission).

Conditions:
Gaucher disease type I (GD1). Also called: GD 1; Type 1 Gaucher Disease; ACID BETA-GLUCOSIDASE DEFICIENCY; GAUCHER DISEASE, NONCEREBRAL JUVENILE; GBA DEFICIENCY; GD I. Identifiers: Orphanet 355, Orphanet 77259, MedGen C1961835, MONDO:0009265, OMIM 230800.

Submission:

Foundation for Research in Genetics and Endocrinology, FRIGE's Institute of Human Genetics
Classification: Likely pathogenic for Gaucher disease type I. Last evaluated: 2026-04-17. Review status: criteria provided, single submitter. Criteria: ACMG Guidelines, 2015. Collection method: clinical testing. Allele origin: germline. Inheritance: Autosomal recessive inheritance. Affected: yes. Observed: 1 variant allele, 1 homozygote.
Comment: A homozygous variant in exon 9 of the GBA1 gene that results in the amino acid substitution of methionine for Valine at codon 414 was detected. The in-silico prediction of the variant is deleterious by MutationTaster, FATHMM and DANN. In summary, the variant meets our criteria to be classified as likely pathogenic.